The following is an entry in ClinVar:

NM_020791.4(TAOK1):c.1204-6dup

Gene: TAOK1 (TAO kinase 1; plus strand). Cytogenetic location: 17q11.2.
Variant type: Duplication.
Coding change: c.1204-6dup on transcript NM_020791.4 (MANE Select); 6 bases into the intron before coding-DNA position 1204, one base duplicated (T; older notation c.1204-6dupT).
Molecular consequence: intron variant.
Genome position (GRCh38, 1-based): chr17:29,502,583, T duplicated; the last of 13 consecutive T bases (chr17:29,502,571-29,502,583); duplicating any one gives the same sequence. VCF-style (leftmost placement, unchanged base first): chr17-29502570-C-CT. GRCh37 (hg19) VCF-style: chr17-27829588-C-CT.
Other names: c.1204-6dup (NM_025142.1).
Identifiers: ClinVar variation 3059845 (VCV003059845.2), dbSNP rs367720840, ClinGen allele CA8474622.

ClinVar aggregate classification (germline): Likely benign (0 of 4 stars; one submission).

Conditions:
TAOK1-related disorder. Also called: TAOK1-related condition.

Submission:

PreventionGenetics, part of Exact Sciences
Classification: Likely benign for TAOK1-related condition. Last evaluated: 2020-10-10. Review status: no assertion criteria provided. Collection method: clinical testing. Allele origin: germline.
Comment: This variant is classified as likely benign based on ACMG/AMP sequence variant interpretation guidelines (Richards et al. 2015 PMID: 25741868, with internal and published modifications).